The following is an entry in ClinVar:

ClinVar aggregate classification (germline): Uncertain significance (1 of 4 stars; one submission).

Conditions:
COG5-congenital disorder of glycosylation. Also called: COG5-CDG; CONGENITAL DISORDER OF GLYCOSYLATION, TYPE IIi; CDG IIi. Identifiers: Orphanet 263487, MedGen C3150876, MONDO:0013325, OMIM 613612.

Allele frequency attached by ClinVar (database versions not stated): gnomAD exomes below 0.00001; TOPMed below 0.00001; gnomAD 0.00001.
gnomAD v4.1: 3 of 1,609,606 alleles (0.00019%); highest among the groups gnomAD compares: Non-Finnish European, 0.00017%; no homozygotes.

Submission:

Labcorp Genetics (formerly Invitae), Labcorp
Classification: Uncertain significance for COG5-congenital disorder of glycosylation. Last evaluated: 2022-04-08. Review status: criteria provided, single submitter. Criteria: Invitae Variant Classification Sherloc (09022015). Collection method: clinical testing. Allele origin: germline.
Comment: This sequence change affects codon 596 of the COG5 mRNA. It is a 'silent' change, meaning that it does not change the encoded amino acid sequence of the COG5 protein. This variant is not present in population databases (gnomAD no frequency). This variant has not been reported in the literature in individuals affected with COG5-related conditions. Algorithms developed to predict the effect of sequence changes on RNA splicing suggest that this variant may disrupt the consensus splice site. In summary, the available evidence is currently insufficient to determine the role of this variant in disease. Therefore, it has been classified as a Variant of Uncertain Significance.

NM_006348.5(COG5):c.1695C>T (p.Ser565=)

Gene: COG5 (component of oligomeric golgi complex 5; minus strand). Cytogenetic location: 7q22.3.
Variant type: single nucleotide variant.
Coding change: c.1695C>T on transcript NM_006348.5 (MANE Select); coding-DNA position 1695, C replaced by T.
Protein change: p.Ser565=; no amino-acid change (serine 565 retained).
Molecular consequence: synonymous variant. On other transcripts: intron variant (2).
Genome position (GRCh38, 1-based): chr7:107,256,786, G>A on the plus strand (C>T on the coding strand, the complement: COG5 is on the minus strand). VCF-style: chr7-107256786-G-A. GRCh37 (hg19) VCF-style: chr7-106897231-G-A.
Other names: c.1695C>T, p.Ser565= (NM_001161520.2, NM_001379513.1, NM_001379514.1); c.1533C>T, p.Ser511= (NM_001379511.1); c.1125C>T, p.Ser375= (NM_001379515.1); c.981C>T, p.Ser327= (NM_001379516.1); c.1576-8287C>T (NM_001379512.1); c.1686+1487C>T (NM_181733.4).
Identifiers: ClinVar variation 1971342 (VCV001971342.2), dbSNP rs1423344116, ClinGen allele CA457182881.